The following is an entry in ClinVar:

ClinVar aggregate classification (germline): Uncertain significance. Review status: criteria provided, multiple submitters, no conflicts (2 of 4 stars). 2 submissions from 2 submitters: Uncertain significance (2). Last evaluated 2023-02-23.

Conditions:
Hereditary breast ovarian cancer syndrome. Also called: Hereditary breast and ovarian cancer; Hereditary breast and/or ovarian cancer syndrome; BRCA1- and BRCA2-Associated Hereditary Breast and Ovarian Cancer; Hereditary breast and ovarian cancer syndrome; Hereditary breast and ovarian cancer syndrome (HBOC); Breast and ovarian cancer. Identifiers: Orphanet 145, MedGen C0677776, MeSH D061325, MONDO:0003582. Disease mechanism: loss of function.
Hereditary cancer-predisposing syndrome. Also called: Tumor predisposition; Hereditary Cancer Syndrome; Hereditary neoplastic syndrome; Neoplastic Syndromes, Hereditary. Identifiers: Orphanet 140162, MedGen C0027672, MeSH D009386, MONDO:0015356.

Submissions (2):

Labcorp Genetics (formerly Invitae), Labcorp
Classification: Uncertain significance for Hereditary breast ovarian cancer syndrome. Last evaluated: 2023-02-23. Review status: criteria provided, single submitter. Criteria: Invitae Variant Classification Sherloc (09022015). Collection method: clinical testing. Allele origin: germline.
Comment: ClinVar contains an entry for this variant (Variation ID: 409462). This variant has not been reported in the literature in individuals affected with BRCA2-related conditions. This variant is not present in population databases (gnomAD no frequency). This sequence change replaces asparagine, which is neutral and polar, with serine, which is neutral and polar, at codon 3318 of the BRCA2 protein (p.Asn3318Ser). In summary, the available evidence is currently insufficient to determine the role of this variant in disease. Therefore, it has been classified as a Variant of Uncertain Significance. Advanced modeling of protein sequence and biophysical properties (such as structural, functional, and spatial information, amino acid conservation, physicochemical variation, residue mobility, and thermodynamic stability) performed at Invitae indicates that this missense variant is not expected to disrupt BRCA2 protein function.

Ambry Genetics
Classification: Uncertain significance for Hereditary cancer-predisposing syndrome. Last evaluated: 2020-08-21. Review status: criteria provided, single submitter. Criteria: Ambry Variant Classification Scheme 2023. Collection method: clinical testing. Allele origin: germline.
Comment: The p.N3318S variant (also known as c.9953A>G), located in coding exon 26 of the BRCA2 gene, results from an A to G substitution at nucleotide position 9953. The asparagine at codon 3318 is replaced by serine, an amino acid with highly similar properties. This amino acid position is not well conserved in available vertebrate species. In addition, this alteration is predicted to be tolerated by in silico analysis. Since supporting evidence is limited at this time, the clinical significance of this alteration remains unclear.

NM_000059.4(BRCA2):c.9953A>G (p.Asn3318Ser)

Gene: BRCA2 (BRCA2 DNA repair associated; plus strand). Cytogenetic location: 13q13.1.
Variant type: single nucleotide variant.
Coding change: c.9953A>G on transcript NM_000059.4 (MANE Select); coding-DNA position 9953, A replaced by G.
Protein change: p.Asn3318Ser; replaces asparagine 3318 with serine.
Molecular consequence: missense variant.
Genome position (GRCh38, 1-based): chr13:32,398,466, A>G. VCF-style: chr13-32398466-A-G. GRCh37 (hg19) VCF-style: chr13-32972603-A-G.
Other names: short protein forms N3318S.
Identifiers: ClinVar variation 409462 (VCV000409462.13), dbSNP rs1060502409, ClinGen allele CA16614407.
Genomic context (GRCh38, chr13:32,398,466, plus strand): 5'-TTCAGCCACCAAGGAGTTGTGGCACCAAATACGAAACACCCATAAAGAAAAAAGAACTGA[A>G]TTCTCCTCAGATGACTCCATTTAAAAAATTCAATGAAATTTCTCTTTTGGAAAGTAATTC-3'
Protein context (NP_000050.3, residues 3308-3328): YETPIKKKEL[Asn3318Ser]SPQMTPFKKF